The following is an entry in ClinVar:

NM_000059.4(BRCA2):c.1352G>A (p.Ser451Asn)

Gene: BRCA2 (BRCA2 DNA repair associated; plus strand). Cytogenetic location: 13q13.1.
Variant type: single nucleotide variant.
Coding change: c.1352G>A on transcript NM_000059.4 (MANE Select); coding-DNA position 1352, G replaced by A.
Protein change: p.Ser451Asn; replaces serine 451 with asparagine.
Molecular consequence: missense variant.
Genome position (GRCh38, 1-based): chr13:32,332,830, G>A. VCF-style: chr13-32332830-G-A. GRCh37 (hg19) VCF-style: chr13-32906967-G-A.
Other names: short protein forms S451N.
Identifiers: ClinVar variation 142385 (VCV000142385.13), dbSNP rs587782422, ClinGen allele CA011709.

ClinVar aggregate classification (germline): Conflicting classifications of pathogenicity. Review status: criteria provided, conflicting classifications (1 of 4 stars). 3 submissions from 3 submitters: Uncertain significance (2); Likely benign (1). Last evaluated 2025-02-13.

Conditions:
Hereditary cancer-predisposing syndrome. Also called: Neoplastic Syndromes, Hereditary; Tumor predisposition; Hereditary Cancer Syndrome; Hereditary neoplastic syndrome. Identifiers: Orphanet 140162, MedGen C0027672, MeSH D009386, MONDO:0015356.
Hereditary breast ovarian cancer syndrome. Also called: Breast and ovarian cancer; Hereditary breast and ovarian cancer; Hereditary breast and/or ovarian cancer syndrome; BRCA1- and BRCA2-Associated Hereditary Breast and Ovarian Cancer; Hereditary breast and ovarian cancer syndrome; Hereditary breast and ovarian cancer syndrome (HBOC). Identifiers: Orphanet 145, MedGen C0677776, MeSH D061325, MONDO:0003582. Disease mechanism: loss of function.

Allele frequency attached by ClinVar (database versions not stated): gnomAD exomes below 0.00001; TOPMed below 0.00001; gnomAD 0.00001.
gnomAD v4.1: 4 of 1,611,504 alleles (0.00025%); highest among the groups gnomAD compares: Non-Finnish European, 0.00034%; no homozygotes.

Submissions (3):

Labcorp Genetics (formerly Invitae), Labcorp
Classification: Uncertain significance for Hereditary breast ovarian cancer syndrome. Last evaluated: 2025-02-13. Review status: criteria provided, single submitter. Criteria: Invitae Variant Classification Sherloc (09022015). Collection method: clinical testing. Allele origin: germline.
Comment: This sequence change replaces serine, which is neutral and polar, with asparagine, which is neutral and polar, at codon 451 of the BRCA2 protein (p.Ser451Asn). This variant is not present in population databases (gnomAD no frequency). This variant has not been reported in the literature in individuals affected with BRCA2-related conditions. ClinVar contains an entry for this variant (Variation ID: 142385). Invitae Evidence Modeling of protein sequence and biophysical properties (such as structural, functional, and spatial information, amino acid conservation, physicochemical variation, residue mobility, and thermodynamic stability) indicates that this missense variant is not expected to disrupt BRCA2 protein function with a negative predictive value of 95%. In summary, the available evidence is currently insufficient to determine the role of this variant in disease. Therefore, it has been classified as a Variant of Uncertain Significance.

University of Washington Department of Laboratory Medicine, University of Washington
Classification: Likely benign for Hereditary cancer-predisposing syndrome. Last evaluated: 2023-03-23. Review status: criteria provided, single submitter. Criteria: Dines et al. (Genet Med. 2020). Collection method: curation. Allele origin: germline.
Comment: Missense variant in a coldspot region where missense variants are very unlikely to be pathogenic (PMID:31911673).

BRCA2 exon 10 coldspot. Reclassification based on statistical prior probability.

Ambry Genetics
Classification: Uncertain significance for Hereditary cancer-predisposing syndrome. Last evaluated: 2022-08-09. Review status: criteria provided, single submitter. Criteria: Ambry Variant Classification Scheme 2023. Collection method: clinical testing. Allele origin: germline.
Comment: The p.S451N variant (also known as c.1352G>A), located in coding exon 9 of the BRCA2 gene, results from a G to A substitution at nucleotide position 1352. The serine at codon 451 is replaced by asparagine, an amino acid with highly similar properties. This amino acid position is not well conserved in available vertebrate species. In addition, this alteration is predicted to be tolerated by in silico analysis. Since supporting evidence is limited at this time, the clinical significance of this alteration remains unclear.